The following is an entry in ClinVar:

NM_001620.3(AHNAK):c.13346T>A (p.Met4449Lys)

Gene: AHNAK (AHNAK nucleoprotein; minus strand). Cytogenetic location: 11q12.3.
Variant type: single nucleotide variant.
Coding change: c.13346T>A on transcript NM_001620.3 (MANE Select); coding-DNA position 13346, T replaced by A.
Protein change: p.Met4449Lys; replaces methionine 4449 with lysine.
Molecular consequence: missense variant. On other transcripts: intron variant (1).
Genome position (GRCh38, 1-based): chr11:62,521,071, A>T on the plus strand (T>A on the coding strand, the complement: AHNAK is on the minus strand). VCF-style: chr11-62521071-A-T. GRCh37 (hg19) VCF-style: chr11-62288543-A-T.
Other names: c.13346T>A, p.Met4449Lys (NM_001346445.2, NM_001346446.2); c.342+13932T>A (NM_024060.4); short protein forms M4449K.
Identifiers: ClinVar variation 2354674 (VCV002354674.15), dbSNP rs142162593, ClinGen allele CA6044406.

ClinVar aggregate classification (germline): Conflicting classifications of pathogenicity. Review status: criteria provided, conflicting classifications (1 of 4 stars). 2 submissions from 2 submitters: Uncertain significance (1); Likely benign (1). Last evaluated 2025-02-01.

Allele frequency attached by ClinVar (database versions not stated): ExAC 0.00023; TOPMed 0.00032; gnomAD exomes 0.00036; ESP Exome Variant Server 0.00038.
gnomAD v4.1: 579 of 1,613,952 alleles (0.036%); highest among the groups gnomAD compares: Non-Finnish European, 0.044%; no homozygotes.

Submissions (2):

CeGaT Center for Human Genetics Tuebingen
Classification: Likely benign. Last evaluated: 2025-02-01. Review status: criteria provided, single submitter. Criteria: CeGaT Center For Human Genetics Tuebingen Variant Classification Criteria Version 2. Collection method: clinical testing. Allele origin: germline. Affected: yes. Observed: 1 variant allele.
Comment: AHNAK: BP4

Ambry Genetics
Classification: Uncertain significance. Last evaluated: 2021-07-09. Review status: criteria provided, single submitter. Criteria: Ambry Variant Classification Scheme 2023. Collection method: clinical testing. Allele origin: germline.